The following is an entry in ClinVar:

NM_000180.4(GUCY2D):c.2266GTG[1] (p.Val757del)

Gene: GUCY2D (guanylate cyclase 2D, retinal; plus strand). Cytogenetic location: 17p13.1.
Variant type: Microsatellite.
Coding change: c.2266GTG[1] on transcript NM_000180.4 (MANE Select); one copy of the 3-base unit GTG starting at c.2266; the reference has two copies in a row; one copy, 3 bases deleted.
Protein change: p.Val757del; deletes valine 757.
Molecular consequence: inframe deletion.
Genome position (GRCh38, 1-based): chr17:8,013,885-8,013,887, GTG deleted; deleting any 3 consecutive bases within chr17:8,013,882-8,013,887 gives the same sequence; the position shown is the placement nearest the transcript's 3' end. VCF-style (leftmost placement, unchanged base first): chr17-8013881-AGTG-A. GRCh37 (hg19) VCF-style: chr17-7917199-AGTG-A.
Other names: short protein forms V757del.
Identifiers: ClinVar variation 1513780 (VCV001513780.6), dbSNP rs2151803037, ClinGen allele CA2580614002.

ClinVar aggregate classification (germline): Uncertain significance (1 of 4 stars; one submission).

Conditions:
Cone-rod dystrophy 6 (CORD6). Also called: Cone dystrophy progressive; RETINAL CONE DYSTROPHY 2. Identifiers: Orphanet 1872, MedGen C1866293, MONDO:0011143, OMIM 601777.
Leber congenital amaurosis 1 (LCA1). Also called: Congenital absence of the rods and cones; Leber's congenital tapetoretinal degeneration; Leber's congenital tapetoretinal dysplasia; RETINAL BLINDNESS, CONGENITAL; AMAUROSIS CONGENITA OF LEBER I. Identifiers: Orphanet 65, MedGen C2931258, MONDO:0008764, OMIM 204000.

Submission:

Labcorp Genetics (formerly Invitae), Labcorp
Classification: Uncertain significance for Leber congenital amaurosis 1; Cone-rod dystrophy 6. Last evaluated: 2022-11-22. Review status: criteria provided, single submitter. Criteria: Invitae Variant Classification Sherloc (09022015). Collection method: clinical testing. Allele origin: germline.
Comment: In summary, the available evidence is currently insufficient to determine the role of this variant in disease. Therefore, it has been classified as a Variant of Uncertain Significance. Algorithms developed to predict the effect of sequence changes on RNA splicing suggest that this variant may disrupt the consensus splice site. Experimental studies and prediction algorithms are not available or were not evaluated, and the functional significance of this variant is currently unknown. This variant has not been reported in the literature in individuals affected with GUCY2D-related conditions. This variant is not present in population databases (gnomAD no frequency). This variant, c.2269_2271del, results in the deletion of 1 amino acid(s) of the GUCY2D protein (p.Val757del), but otherwise preserves the integrity of the reading frame.